The following is an entry in ClinVar:

NM_003458.4(BSN):c.6165G>A (p.Pro2055=)

Gene: BSN (bassoon presynaptic cytomatrix protein; plus strand). Cytogenetic location: 3p21.31.
Variant type: single nucleotide variant.
Coding change: c.6165G>A on transcript NM_003458.4 (MANE Select); coding-DNA position 6165, G replaced by A.
Protein change: p.Pro2055=; no amino-acid change (proline 2055 retained).
Molecular consequence: synonymous variant.
Genome position (GRCh38, 1-based): chr3:49,655,721, G>A. VCF-style: chr3-49655721-G-A. GRCh37 (hg19) VCF-style: chr3-49693154-G-A.
Identifiers: ClinVar variation 3035037 (VCV003035037.2), dbSNP rs145865812, ClinGen allele CA2400440.

ClinVar aggregate classification (germline): Likely benign (0 of 4 stars; one submission).

Conditions:
BSN-related disorder. Also called: BSN-related condition.

Allele frequency attached by ClinVar (database versions not stated): ExAC 0.00017; TOPMed 0.00020; gnomAD 0.00023; ESP Exome Variant Server 0.00031; gnomAD exomes 0.00047.
gnomAD v4.1: 702 of 1,613,386 alleles (0.044%); highest among the groups gnomAD compares: Non-Finnish European, 0.057%; no homozygotes.

Submission:

PreventionGenetics, part of Exact Sciences
Classification: Likely benign for BSN-related condition. Last evaluated: 2019-08-01. Review status: no assertion criteria provided. Collection method: clinical testing. Allele origin: germline.
Comment: This variant is classified as likely benign based on ACMG/AMP sequence variant interpretation guidelines (Richards et al. 2015 PMID: 25741868, with internal and published modifications).